The following is an entry in ClinVar:

NM_000193.4(SHH):c.1157_1180del (p.Leu386_Ala393del)

Gene: SHH (sonic hedgehog signaling molecule; minus strand). Cytogenetic location: 7q36.3.
Variant type: Deletion.
Coding change: c.1157_1180del on transcript NM_000193.4 (MANE Select); coding-DNA positions 1157 to 1180, 24 bases deleted (TCCTGGCTGCACTGGCGCCCGCGC).
Protein change: p.Leu386_Ala393del.
Molecular consequence: inframe deletion. On other transcripts: intron variant (1).
Genome position (GRCh38, 1-based): chr7:155,803,109-155,803,132, GCGCGGGCGCCAGTGCAGCCAGGA deleted on the plus strand (TCCTGGCTGCACTGGCGCCCGCGC on the coding strand, the reverse complement: SHH is on the minus strand); deleting any 24 consecutive bases within chr7:155,803,109-155,803,137 gives the same sequence; the c. name uses the placement nearest the transcript's 3' end. VCF-style (leftmost placement, unchanged base first): chr7-155803108-CGCGCGGGCGCCAGTGCAGCCAGGA-C. GRCh37 (hg19) VCF-style: chr7-155595802-CGCGCGGGCGCCAGTGCAGCCAGGA-C.
Other names: c.302-2887_302-2864del (NM_001310462.2).
Identifiers: ClinVar variation 1709495 (VCV001709495.2), dbSNP rs2535892114, ClinGen allele CA2580077750.

ClinVar aggregate classification (germline): Conflicting classifications of pathogenicity. Review status: criteria provided, conflicting classifications (1 of 4 stars). 2 submissions from 2 submitters: Likely pathogenic (1); Uncertain significance (1). Last evaluated 2025-02-27.

Conditions:
Holoprosencephaly 3 (HPE3). Identifiers: Orphanet 2162, MedGen C1840529, MONDO:0007733, OMIM 142945.

Submissions (2):

Laboratory of Molecular Genetics, CHU Rennes
Classification: Likely pathogenic for Holoprosencephaly 3. Last evaluated: 2025-02-27. Review status: criteria provided, single submitter. Criteria: ACMG Guidelines, 2015. Collection method: clinical testing. Allele origin: paternal. Inheritance: Oligogenic inheritance. Affected: yes.
Comment: The NM_000193.4:c.1157_1180del is a deletion of twenty-four base-pairs in the Hint domain of SHH (PM1), absent from controls (PM2).

MGZ Medical Genetics Center
Classification: Uncertain significance for Holoprosencephaly 3. Last evaluated: 2022-06-10. Review status: criteria provided, single submitter. Criteria: ACMG Guidelines, 2015. Collection method: clinical testing. Allele origin: germline. Affected: yes. Observed: 1 variant allele.
Comment: ACMG criteria applied: PM4, PM2_SUP